The following is an entry in ClinVar:

ClinVar aggregate classification (germline): Benign/Likely benign. Review status: criteria provided, multiple submitters, no conflicts (2 of 4 stars). 4 submissions from 4 submitters: Benign (1); Likely benign (2). 1 of the submissions does not count toward it. Last evaluated 2026-01-25.

Conditions:
DOCK2-related disorder. Also called: DOCK2-related condition.
DOCK2 deficiency. Also called: Immunodeficiency 40. Identifiers: Orphanet 447737, MedGen C4225328, MONDO:0014637, OMIM 616433.

Allele frequency attached by ClinVar (database versions not stated): ESP Exome Variant Server 0.00023; gnomAD 0.00090 and 0.00106; TOPMed 0.00101; 1000 Genomes Project 30x 0.00172; 1000 Genomes Project 0.00180.
gnomAD v4.1: 1,439 of 1,614,132 alleles (0.089%); highest among the groups gnomAD compares: East Asian, 1.4%; 2 homozygotes.

Submissions (4):

Labcorp Genetics (formerly Invitae), Labcorp
Classification: Benign for DOCK2 deficiency. Last evaluated: 2026-01-25. Review status: criteria provided, single submitter. Criteria: Invitae Variant Classification Sherloc (09022015). Collection method: clinical testing. Allele origin: germline.

CeGaT Center for Human Genetics Tuebingen
Classification: Likely benign. Last evaluated: 2025-12-01. Review status: criteria provided, single submitter. Criteria: CeGaT Center For Human Genetics Tuebingen Variant Classification Criteria Version 2. Collection method: clinical testing. Allele origin: germline. Affected: yes. Observed: 2 variant alleles.
Comment: DOCK2: BP4, BP7, BS1

Blueprint Genetics
Classification: Likely benign. Last evaluated: 2024-11-07. Review status: criteria provided, single submitter. Criteria: ACMG Guidelines, 2015. Collection method: clinical testing. Allele origin: germline.

PreventionGenetics, part of Exact Sciences
Classification: Benign for DOCK2-related condition. Last evaluated: 2019-06-27. Review status: no assertion criteria provided. Collection method: clinical testing. Allele origin: germline. Not counted in ClinVar's aggregate classification.
Comment: This variant is classified as benign based on ACMG/AMP sequence variant interpretation guidelines (Richards et al. 2015 PMID: 25741868, with internal and published modifications).

NM_004946.3(DOCK2):c.5445G>A (p.Ser1815=)

Gene: DOCK2 (dedicator of cytokinesis 2; plus strand). Cytogenetic location: 5q35.1.
Variant type: single nucleotide variant.
Coding change: c.5445G>A on transcript NM_004946.3 (MANE Select); coding-DNA position 5445, G replaced by A.
Protein change: p.Ser1815=; no amino-acid change (serine 1815 retained).
Molecular consequence: synonymous variant. On other transcripts: non-coding transcript variant (1).
Genome position (GRCh38, 1-based): chr5:170,082,810, G>A. VCF-style: chr5-170082810-G-A. GRCh37 (hg19) VCF-style: chr5-169509814-G-A.
Other names: c.5445G>A, p.Ser1815= (LRG_1227t1).
Identifiers: ClinVar variation 542628 (VCV000542628.22), dbSNP rs200128185, ClinGen allele CA3554892.